The following is an entry in ClinVar:

ClinVar aggregate classification (germline): Likely pathogenic (1 of 4 stars; one submission).

Submission:

Labcorp Genetics (formerly Invitae), Labcorp
Classification: Likely pathogenic. Last evaluated: 2023-04-13. Review status: criteria provided, single submitter. Criteria: Invitae Variant Classification Sherloc (09022015). Collection method: clinical testing. Allele origin: germline.
Comment: This sequence change affects an acceptor splice site in intron 1 of the TSEN54 gene. It is expected to disrupt RNA splicing. Variants that disrupt the donor or acceptor splice site typically lead to a loss of protein function (PMID: 16199547), and loss-of-function variants in TSEN54 are known to be pathogenic (PMID: 18711368, 20952379). This variant is not present in population databases (gnomAD no frequency). This variant has not been reported in the literature in individuals affected with TSEN54-related conditions. Algorithms developed to predict the effect of sequence changes on RNA splicing suggest that this variant may disrupt the consensus splice site. In summary, the currently available evidence indicates that the variant is pathogenic, but additional data are needed to prove that conclusively. Therefore, this variant has been classified as Likely Pathogenic.

Literature cited by the submitters: PubMed 16199547; PubMed 18711368; PubMed 20952379.

NM_207346.3(TSEN54):c.57-2A>C

Genes: TSEN54 (tRNA splicing endonuclease subunit 54; plus strand), LOC112533671 (Sharpr-MPRA regulatory region 12010; plus strand). Cytogenetic location: 17q25.1.
Variant type: single nucleotide variant.
Coding change: c.57-2A>C on transcript NM_207346.3 (MANE Select); the canonical splice acceptor site of the intron before coding-DNA position 57, A replaced by C.
Molecular consequence: splice acceptor variant.
Genome position (GRCh38, 1-based): chr17:75,516,744, A>C. VCF-style: chr17-75516744-A-C. GRCh37 (hg19) VCF-style: chr17-73512825-A-C.
Identifiers: ClinVar variation 2850903 (VCV002850903.3), dbSNP rs2546150757, ClinGen allele CA401026906.
Genomic context (GRCh38, chr17:75,516,744, plus strand): 5'-CCGGGACCCGGCCAGGCGGCCCCCGATGCGCGGCGCTGACCCCGCGTCCCCTTCTCCCCC[A>C]GCGCCCGGGAGCTCTTCGCCGCCCGCTCGCGGTCGCAGAAGCTGCCCCAGCGCTCGCATG-3'